The following is an entry in ClinVar:

ClinVar aggregate classification (germline): Pathogenic. Review status: criteria provided, single submitter (1 of 4 stars). 3 submissions from 3 submitters: Pathogenic (1). 2 of the submissions do not count toward it. Last evaluated 2018-09-24.

Conditions:
Rajab interstitial lung disease with brain calcifications. Identifiers: Orphanet 178506, MedGen C3150910, MONDO:0100214.
Severe early-onset pulmonary alveolar proteinosis due to MARS deficiency. Also called: Interstitial lung and liver disease; PULMONARY ALVEOLAR PROTEINOSIS, REUNION ISLAND. Identifiers: Orphanet 440427, MedGen C4225400, MONDO:0014206, OMIM 615486.

Submissions (3):

GeneDx
Classification: Pathogenic. Last evaluated: 2018-09-24. Review status: criteria provided, single submitter. Criteria: GeneDx Variant Classification (06012015). Collection method: clinical testing. Allele origin: germline. Affected: yes.
Comment: The c.1486delCinsAA variant in the FARSB gene has been published in association with FARSB-related disorders (Antonellis et al., 2018). The c.1486delCinsAA variant causes a frameshift starting with codon Histidine 496, changes this amino acid to a Lysine residue and creates a premature Stop codon at position 14 of the new reading frame, denoted p.His496LysfsX14. This variant is predicted to cause loss of normal protein function either through protein truncation or nonsense-mediated mRNA decay. The c.1486delCinsAA variant is not observed in large population cohorts (Lek et al., 2016). We interpret c.1486delCinsAA as a pathogenic variant.

OMIM
Classification: Pathogenic for RAJAB INTERSTITIAL LUNG DISEASE WITH BRAIN CALCIFICATIONS 1. Last evaluated: 2020-09-08. Review status: no assertion criteria provided. Collection method: literature only. Allele origin: germline. Not counted in ClinVar's aggregate classification.

Antonellis Laboratory at Michigan, University of Michigan
Classification: Likely pathogenic for Severe early-onset pulmonary alveolar proteinosis due to MARS deficiency. Review status: no assertion criteria provided. Collection method: in vitro. Allele origin: not applicable. Inheritance: Autosomal recessive inheritance. Not counted in ClinVar's aggregate classification.

Literature cited by the submitters: PubMed 29573043 (cited by OMIM).

NM_005687.5(FARSB):c.1486delinsAA (p.His496fs)

Gene: FARSB (phenylalanyl-tRNA synthetase subunit beta; minus strand). Cytogenetic location: 2q36.1.
Variant type: Indel.
Coding change: c.1486delinsAA on transcript NM_005687.5 (MANE Select); coding-DNA position 1486, C replaced by AA.
Protein change: p.His496fs; shifts the reading frame from histidine 496.
Molecular consequence: frameshift variant. On other transcripts: non-coding transcript variant (1).
Genome position (GRCh38, 1-based): chr2:222,600,060, G replaced by TT on the plus strand (C replaced by AA on the coding strand, the reverse complement: FARSB is on the minus strand). VCF-style: chr2-222600060-G-TT. GRCh37 (hg19) VCF-style: chr2-223464779-G-TT.
Other names: short protein forms H496fs.
Identifiers: ClinVar variation 487456 (VCV000487456.5), dbSNP rs1553549333, ClinGen allele CA658821384.